The following is an entry in ClinVar:

NM_145207.3(AFG2A):c.105T>C (p.Ala35=)

Gene: AFG2A (AAA ATPase AFG2A; plus strand). Cytogenetic location: 4q28.1.
Variant type: single nucleotide variant.
Coding change: c.105T>C on transcript NM_145207.3 (MANE Select); coding-DNA position 105, T replaced by C.
Protein change: p.Ala35=; no amino-acid change (alanine 35 retained).
Molecular consequence: synonymous variant.
Genome position (GRCh38, 1-based): chr4:122,923,247, T>C. VCF-style: chr4-122923247-T-C. GRCh37 (hg19) VCF-style: chr4-123844402-T-C.
Other names: c.105T>C, p.Ala35= (NM_001317799.2, NM_001345856.2).
Identifiers: ClinVar variation 798292 (VCV000798292.31), dbSNP rs200651766, ClinGen allele CA3070127.
Genomic context (GRCh38, chr4:122,923,247, plus strand): 5'-AAATGGTTCGTCCTTGCCCTCTGCTGCTTCCTCTTGTGCGGAGGCACGGGCTCCTTCTGC[T>C]GGATCAGACTTCGCGGCAACCTCCGGGACTCTGACGGTGACCAACTTATTAGAAAAGGGT-3'
Protein context (NP_660208.2, residues 25-45): SSCAEARAPS[Ala35=]GSDFAATSGT

ClinVar aggregate classification (germline): Likely benign. Review status: criteria provided, multiple submitters, no conflicts (2 of 4 stars). 3 submissions from 3 submitters: Likely benign (3). Last evaluated 2024-08-14.

Conditions:
Microcephaly-intellectual disability-sensorineural hearing loss-epilepsy-abnormal muscle tone syndrome (NEDHSB). Also called: NEURODEVELOPMENTAL DISORDER WITH HEARING LOSS, SEIZURES, AND BRAIN ABNORMALITIES. Identifiers: Orphanet 457351, MedGen C4225276, MONDO:0014698, OMIM 616577.

Allele frequency attached by ClinVar (database versions not stated): TOPMed 0.00002; ExAC 0.00005; gnomAD exomes 0.00005 and 0.00006; gnomAD 0.00007 and 0.00009.
gnomAD v4.1: 81 of 1,614,076 alleles (0.005%); highest among the groups gnomAD compares: Non-Finnish European, 0.0047%; no homozygotes.

Submissions (3):

Labcorp Genetics (formerly Invitae), Labcorp
Classification: Likely benign for Microcephaly-intellectual disability-sensorineural hearing loss-epilepsy-abnormal muscle tone syndrome. Last evaluated: 2024-08-14. Review status: criteria provided, single submitter. Criteria: Invitae Variant Classification Sherloc (09022015). Collection method: clinical testing. Allele origin: germline.

Blueprint Genetics
Classification: Likely benign. Last evaluated: 2023-12-01. Review status: criteria provided, single submitter. Criteria: ACMG Guidelines, 2015. Collection method: clinical testing. Allele origin: germline.

CeGaT Center for Human Genetics Tuebingen
Classification: Likely benign. Last evaluated: 2023-08-01. Review status: criteria provided, single submitter. Criteria: CeGaT Center For Human Genetics Tuebingen Variant Classification Criteria Version 2. Collection method: clinical testing. Allele origin: germline. Affected: yes. Observed: 1 variant allele.
Comment: AFG2A: BP4, BP7